The following is an entry in ClinVar:

NM_000051.4(ATM):c.1078del (p.Asp360fs)

Gene: ATM (ATM serine/threonine kinase; plus strand). Cytogenetic location: 11q22.3.
Variant type: Deletion.
Coding change: c.1078del on transcript NM_000051.4 (MANE Select); coding-DNA position 1078, one base deleted (G; older notation c.1078delG).
Protein change: p.Asp360fs; shifts the reading frame from aspartic acid 360.
Molecular consequence: frameshift variant.
Genome position (GRCh38, 1-based): chr11:108,248,945, G deleted. VCF-style (leftmost placement, unchanged base first): chr11-108248944-AG-A. GRCh37 (hg19) VCF-style: chr11-108119671-AG-A.
Other names: c.1078del, p.Asp360fs (NM_001351834.2); short protein forms D360fs.
Identifiers: ClinVar variation 1070576 (VCV001070576.8), dbSNP rs2135290302, ClinGen allele CA2499220558.

ClinVar aggregate classification (germline): Pathogenic. Review status: criteria provided, multiple submitters, no conflicts (2 of 4 stars). 2 submissions from 2 submitters: Pathogenic (2). Last evaluated 2024-01-12.

Conditions:
Ataxia-telangiectasia syndrome (AT). Also called: LOUIS-BAR SYNDROME; Ataxia-telangiectasia, complementation group D; AT, COMPLEMENTATION GROUP C; Cerebello-oculocutaneous telangiectasia; Immunodeficiency with ataxia telangiectasia; ATAXIA-TELANGIECTASIA, COMPLEMENTATION GROUP A. Identifiers: Orphanet 100, MedGen C0004135, MONDO:0008840, OMIM 208900.
Familial cancer of breast. Also called: Hereditary breast cancer; BREAST CANCER, FAMILIAL; hereditary breast carcinoma. Identifiers: Orphanet 227535, MedGen C0346153, MONDO:0016419, OMIM 114480. Disease mechanism: loss of function.

Submissions (2):

Myriad Genetics, Inc.
Classification: Pathogenic for Familial cancer of breast. Last evaluated: 2024-01-12. Review status: criteria provided, single submitter. Criteria: Myriad Autosomal Dominant, Autosomal Recessive and X-Linked Classification Criteria (2023). Collection method: clinical testing. Allele origin: unknown.
Comment: This variant is considered pathogenic. This variant creates a frameshift predicted to result in premature protein truncation.

Labcorp Genetics (formerly Invitae), Labcorp
Classification: Pathogenic for Ataxia-telangiectasia syndrome. Last evaluated: 2020-08-17. Review status: criteria provided, single submitter. Criteria: Invitae Variant Classification Sherloc (09022015). Collection method: clinical testing. Allele origin: germline.
Comment: This sequence change creates a premature translational stop signal (p.Asp360Ilefs*30) in the ATM gene. It is expected to result in an absent or disrupted protein product. For these reasons, this variant has been classified as Pathogenic. Loss-of-function variants in ATM are known to be pathogenic (PMID: 23807571, 25614872). This variant has not been reported in the literature in individuals with ATM-related conditions. This variant is not present in population databases (ExAC no frequency).

Literature cited by the submitters: PubMed 23807571 (cited by Labcorp Genetics (formerly Invitae), Labcorp); PubMed 25614872 (cited by Labcorp Genetics (formerly Invitae), Labcorp).